The following is an entry in ClinVar:

ClinVar aggregate classification (germline): Uncertain significance. Review status: criteria provided, multiple submitters, no conflicts (2 of 4 stars). 2 submissions from 2 submitters: Uncertain significance (2). Last evaluated 2026-03-31.

Conditions:
Ullrich congenital muscular dystrophy 2 (UCMD2). Identifiers: Orphanet 75840, MedGen C4225314, MONDO:0014654, OMIM 616470.
Bethlem myopathy 2 (BTHLM2). Identifiers: Orphanet 536516, Orphanet 610, MedGen C4225313, MONDO:0034022, OMIM 616471.

Submissions (2):

GeneDx
Classification: Uncertain significance. Last evaluated: 2026-03-31. Review status: criteria provided, single submitter. Criteria: GeneDx Variant Classification Process June 2021. Collection method: clinical testing. Allele origin: germline.
Comment: Not observed at significant frequency in large population cohorts (gnomAD); In silico analysis suggests that this missense variant does not alter protein structure/function; Has not been previously published as pathogenic or benign to our knowledge

Labcorp Genetics (formerly Invitae), Labcorp
Classification: Uncertain significance for Bethlem myopathy 2; Ullrich congenital muscular dystrophy 2. Last evaluated: 2026-01-08. Review status: criteria provided, single submitter. Criteria: Invitae Variant Classification Sherloc (09022015). Collection method: clinical testing. Allele origin: germline.
Comment: This sequence change replaces valine, which is neutral and non-polar, with isoleucine, which is neutral and non-polar, at codon 1379 of the COL12A1 protein (p.Val1379Ile). This variant is not present in population databases (gnomAD no frequency). This variant has not been reported in the literature in individuals affected with COL12A1-related conditions. Invitae Evidence Modeling of protein sequence and biophysical properties (such as structural, functional, and spatial information, amino acid conservation, physicochemical variation, residue mobility, and thermodynamic stability) has been performed for this missense variant. However, the output from this modeling did not meet the statistical confidence thresholds required to predict the impact of this variant on COL12A1 protein function. In summary, the available evidence is currently insufficient to determine the role of this variant in disease. Therefore, it has been classified as a Variant of Uncertain Significance.

NM_004370.6(COL12A1):c.4135G>A (p.Val1379Ile)

Gene: COL12A1 (collagen type XII alpha 1 chain; minus strand). Cytogenetic location: 6q13.
Variant type: single nucleotide variant.
Coding change: c.4135G>A on transcript NM_004370.6 (MANE Select); coding-DNA position 4135, G replaced by A.
Protein change: p.Val1379Ile; replaces valine 1379 with isoleucine.
Molecular consequence: missense variant.
Genome position (GRCh38, 1-based): chr6:75,151,153, C>T on the plus strand (G>A on the coding strand, the complement: COL12A1 is on the minus strand). VCF-style: chr6-75151153-C-T. GRCh37 (hg19) VCF-style: chr6-75860869-C-T.
Other names: c.4135G>A, p.Val1379Ile (NM_001424113.1, NM_001424114.1); c.3862G>A, p.Val1288Ile (NM_001424115.1); c.643G>A, p.Val215Ile (NM_001424116.1, NM_080645.3); c.4135G>A (NM_004370.5); short protein forms V1379I, V215I, V1288I.
Identifiers: ClinVar variation 4790738 (VCV004790738.2).